The following is an entry in ClinVar:

ClinVar aggregate classification (germline): Uncertain significance (1 of 4 stars; one submission).

Submission:

Labcorp Genetics (formerly Invitae), Labcorp
Classification: Uncertain significance. Last evaluated: 2022-03-02. Review status: criteria provided, single submitter. Criteria: Invitae Variant Classification Sherloc (09022015). Collection method: clinical testing. Allele origin: germline.
Comment: In summary, the available evidence is currently insufficient to determine the role of this variant in disease. Therefore, it has been classified as a Variant of Uncertain Significance. Algorithms developed to predict the effect of missense changes on protein structure and function are either unavailable or do not agree on the potential impact of this missense change (SIFT: "Deleterious"; PolyPhen-2: "Possibly Damaging"; Align-GVGD: "Class C0"). This variant has not been reported in the literature in individuals affected with TRPM1-related conditions. This variant is not present in population databases (gnomAD no frequency). This sequence change replaces asparagine, which is neutral and polar, with threonine, which is neutral and polar, at codon 1027 of the TRPM1 protein (p.Asn1027Thr).

NM_001252024.2(TRPM1):c.3146A>C (p.Asn1049Thr)

Genes: TRPM1 (transient receptor potential cation channel subfamily M member 1; minus strand), TRPM1-AS1 (TRPM1 antisense RNA 1; plus strand). Cytogenetic location: 15q13.3.
Variant type: single nucleotide variant.
Coding change: c.3146A>C on transcript NM_001252024.2 (MANE Select); coding-DNA position 3146, A replaced by C.
Protein change: p.Asn1049Thr; replaces asparagine 1049 with threonine.
Molecular consequence: missense variant.
Genome position (GRCh38, 1-based): chr15:31,029,373, T>G on the plus strand (A>C on the coding strand, the complement: TRPM1 is on the minus strand). VCF-style: chr15-31029373-T-G. GRCh37 (hg19) VCF-style: chr15-31321576-T-G.
Other names: c.3197A>C, p.Asn1066Thr (NM_001252020.2); c.3080A>C, p.Asn1027Thr (NM_002420.6); short protein forms N1027T, N1066T, N1049T.
Identifiers: ClinVar variation 1421783 (VCV001421783.6), dbSNP rs2140906015, ClinGen allele CA391544319.